The following is an entry in ClinVar:

ClinVar aggregate classification (germline): Uncertain significance. Review status: criteria provided, multiple submitters, no conflicts (2 of 4 stars). 2 submissions from 2 submitters: Uncertain significance (2). Last evaluated 2022-04-26.

Submissions (2):

GeneDx
Classification: Uncertain significance. Last evaluated: 2022-04-26. Review status: criteria provided, single submitter. Criteria: GeneDx Variant Classification Process June 2021. Collection method: clinical testing. Allele origin: germline. Affected: yes.
Comment: Not observed in large population cohorts (gnomAD); In silico analysis supports that this missense variant has a deleterious effect on protein structure/function; Has not been previously published as pathogenic or benign to our knowledge

Greenwood Genetic Center Diagnostic Laboratories, Greenwood Genetic Center
Classification: Uncertain significance. Last evaluated: 2022-03-03. Review status: criteria provided, single submitter. Criteria: ACMG Guidelines, 2015. Collection method: clinical testing. Allele origin: germline. Affected: yes.
Comment: PM2, PP2, PP3

NM_002240.5(KCNJ6):c.472C>T (p.Arg158Trp)

Genes: KCNJ6 (potassium inwardly rectifying channel subfamily J member 6; minus strand), KCNJ6-AS1 (KCNJ6 antisense RNA 1; plus strand). Cytogenetic location: 21q22.13.
Variant type: single nucleotide variant.
Coding change: c.472C>T on transcript NM_002240.5 (MANE Select); coding-DNA position 472, C replaced by T.
Protein change: p.Arg158Trp; replaces arginine 158 with tryptophan.
Molecular consequence: missense variant. On other transcripts: non-coding transcript variant (1).
Genome position (GRCh38, 1-based): chr21:37,714,685, G>A on the plus strand (C>T on the coding strand, the complement: KCNJ6 is on the minus strand). VCF-style: chr21-37714685-G-A. GRCh37 (hg19) VCF-style: chr21-39086988-G-A.
Other names: c.472C>T (NM_002240.3); short protein forms R158W.
Identifiers: ClinVar variation 1676465 (VCV001676465.4), dbSNP rs2123451821, ClinGen allele CA409968736.